The following is an entry in ClinVar:

ClinVar aggregate classification (germline): Uncertain significance (1 of 4 stars; one submission).

Allele frequency attached by ClinVar (database versions not stated): gnomAD exomes below 0.00001.
gnomAD v4.1: 1 of 1,614,158 alleles (0.000062%); highest among the groups gnomAD compares: Admixed American, 0.0017%; no homozygotes.

Submission:

Mayo Clinic Laboratories, Mayo Clinic
Classification: Uncertain significance. Last evaluated: 2022-09-08. Review status: criteria provided, single submitter. Criteria: ACMG Guidelines, 2015. Collection method: clinical testing. Allele origin: germline. Observed: 1 variant allele.
Comment: PM2

NM_001256317.3(TMPRSS3):c.716A>G (p.Tyr239Cys)

Gene: TMPRSS3 (transmembrane serine protease 3; minus strand). Cytogenetic location: 21q22.3.
Variant type: single nucleotide variant.
Coding change: c.716A>G on transcript NM_001256317.3 (MANE Select); coding-DNA position 716, A replaced by G.
Protein change: p.Tyr239Cys; replaces tyrosine 239 with cysteine.
Molecular consequence: missense variant.
Genome position (GRCh38, 1-based): chr21:42,383,099, T>C on the plus strand (A>G on the coding strand, the complement: TMPRSS3 is on the minus strand). VCF-style: chr21-42383099-T-C. GRCh37 (hg19) VCF-style: chr21-43803208-T-C.
Other names: p.Tyr239Cys; c.716A>G, p.Tyr239Cys (NM_024022.4, NM_032405.2); c.335A>G, p.Tyr112Cys (NM_032404.3); short protein forms Y112C, Y239C.
Identifiers: ClinVar variation 2683554 (VCV002683554.1), dbSNP rs1360593424, ClinGen allele CA410373264.